The following is an entry in ClinVar:

ClinVar aggregate classification (germline): Benign/Likely benign. Review status: criteria provided, multiple submitters, no conflicts (2 of 4 stars). 6 submissions from 6 submitters: Benign (5); Likely benign (1). Last evaluated 2026-09-01.

Conditions:
COASY-related disorder. Also called: COASY-related condition.
Neurodegeneration with brain iron accumulation 6 (NBIA6). Also called: COASY protein-associated neurodegeneration. Identifiers: Orphanet 397725, MedGen C4517377, MONDO:0014290, OMIM 615643.

Allele frequency attached by ClinVar (database versions not stated): TOPMed 0.00218; gnomAD 0.00235 and 0.00274; ESP Exome Variant Server 0.00261; gnomAD exomes 0.00347 and 0.00375; 1000 Genomes Project 0.00359; 1000 Genomes Project 30x 0.00359; ExAC 0.00362.

Submissions (6):

CeGaT Center for Human Genetics Tuebingen
Classification: Benign. Last evaluated: 2026-09-01. Review status: criteria provided, single submitter. Criteria: CeGaT Center For Human Genetics Tuebingen Variant Classification Criteria Version 2. Collection method: clinical testing. Allele origin: germline. Affected: yes. Observed: 18 variant alleles.
Comment: COASY: BP4, BP7, BS1, BS2

Labcorp Genetics (formerly Invitae), Labcorp
Classification: Benign for Neurodegeneration with brain iron accumulation 6. Last evaluated: 2026-01-26. Review status: criteria provided, single submitter. Criteria: Invitae Variant Classification Sherloc (09022015). Collection method: clinical testing. Allele origin: germline.

PreventionGenetics, part of Exact Sciences
Classification: Benign for COASY-related condition. Last evaluated: 2024-11-14. Review status: criteria provided, single submitter. Criteria: ACMG Guidelines, 2015. Collection method: clinical testing. Allele origin: germline.
Comment: This variant is classified as benign based on ACMG/AMP sequence variant interpretation guidelines (Richards et al. 2015 PMID: 25741868, with internal and published modifications).

Mayo Clinic Laboratories, Mayo Clinic
Classification: Likely benign. Last evaluated: 2024-03-05. Review status: criteria provided, single submitter. Criteria: ACMG Guidelines, 2015. Collection method: clinical testing. Allele origin: germline. Observed: 3 variant alleles.
Comment: BS1, BP4, BP7

GeneDx
Classification: Benign. Last evaluated: 2017-09-22. Review status: criteria provided, single submitter. Criteria: GeneDx Variant Classification (06012015). Collection method: clinical testing. Allele origin: germline. Affected: yes.
Comment: This variant is considered likely benign or benign based on one or more of the following criteria: it is a conservative change, it occurs at a poorly conserved position in the protein, it is predicted to be benign by multiple in silico algorithms, and/or has population frequency not consistent with disease.

Breakthrough Genomics
Classification: Benign. Review status: criteria provided, single submitter. Criteria: ACMG Guidelines, 2015. Collection method: not provided. Allele origin: germline. Inheritance: Autosomal recessive inheritance. Affected: yes.

NM_025233.7(COASY):c.25C>T (p.Leu9=)

Genes: COASY (Coenzyme A synthase; plus strand), LOC130060908 (ATAC-STARR-seq lymphoblastoid active region 12207; plus strand). Cytogenetic location: 17q21.2.
Variant type: single nucleotide variant.
Coding change: c.25C>T on transcript NM_025233.7 (MANE Select); coding-DNA position 25, C replaced by T.
Protein change: p.Leu9=; no amino-acid change (leucine 9 retained).
Molecular consequence: synonymous variant.
Genome position (GRCh38, 1-based): chr17:42,562,647, C>T. VCF-style: chr17-42562647-C-T. GRCh37 (hg19) VCF-style: chr17-40714665-C-T.
Other names: p.Leu9=; c.25C>T, p.Leu9= (NM_001042529.3); c.112C>T, p.Leu38= (NM_001042532.4).
Identifiers: ClinVar variation 517020 (VCV000517020.38), dbSNP rs117419466, ClinGen allele CA8577895.